The following is an entry in ClinVar:

NM_003036.4(SKI):c.1186C>A (p.His396Asn)

Gene: SKI (SKI proto-oncogene; plus strand). Cytogenetic location: 1p36.32.
Variant type: single nucleotide variant.
Coding change: c.1186C>A on transcript NM_003036.4 (MANE Select); coding-DNA position 1186, C replaced by A.
Protein change: p.His396Asn; replaces histidine 396 with asparagine.
Molecular consequence: missense variant.
Genome position (GRCh38, 1-based): chr1:2,303,375, C>A. VCF-style: chr1-2303375-C-A. GRCh37 (hg19) VCF-style: chr1-2234814-C-A.
Other names: short protein forms H396N.
Identifiers: ClinVar variation 2501846 (VCV002501846.1), dbSNP rs761228623, ClinGen allele CA536608.

ClinVar aggregate classification (germline): Uncertain significance (1 of 4 stars; one submission).

Allele frequency attached by ClinVar (database versions not stated): ExAC 0.00001.

Submission:

GeneDx
Classification: Uncertain significance. Last evaluated: 2022-11-14. Review status: criteria provided, single submitter. Criteria: GeneDx Variant Classification Process June 2021. Collection method: clinical testing. Allele origin: germline. Affected: yes.
Comment: In silico analysis supports that this missense variant does not alter protein structure/function; Has not been previously published as pathogenic or benign to our knowledge